The following is an entry in ClinVar:

ClinVar aggregate classification (germline): Uncertain significance (1 of 4 stars; one submission).

Conditions:
Inborn genetic diseases. Identifiers: MedGen C0950123, MeSH D030342.

Submission:

Ambry Genetics
Classification: Uncertain significance for Inborn genetic diseases. Last evaluated: 2021-10-19. Review status: criteria provided, single submitter. Criteria: Ambry Variant Classification Scheme 2023. Collection method: clinical testing. Allele origin: germline.
Comment: The p.M2161I variant (also known as c.6483G>T), located in coding exon 38 of the ATR gene, results from a G to T substitution at nucleotide position 6483. The methionine at codon 2161 is replaced by isoleucine, an amino acid with highly similar properties. This amino acid position is conserved. In addition, this alteration is predicted to be tolerated by in silico analysis. Since supporting evidence is limited at this time, the clinical significance of this alteration remains unclear.

NM_001184.4(ATR):c.6483G>T (p.Met2161Ile)

Gene: ATR (ATR checkpoint kinase; minus strand). Cytogenetic location: 3q23.
Variant type: single nucleotide variant.
Coding change: c.6483G>T on transcript NM_001184.4 (MANE Select); coding-DNA position 6483, G replaced by T.
Protein change: p.Met2161Ile; replaces methionine 2161 with isoleucine.
Molecular consequence: missense variant.
Genome position (GRCh38, 1-based): chr3:142,469,406, C>A on the plus strand (G>T on the coding strand, the complement: ATR is on the minus strand). VCF-style: chr3-142469406-C-A. GRCh37 (hg19) VCF-style: chr3-142188248-C-A.
Other names: c.6291G>T, p.Met2097Ile (NM_001354579.2); short protein forms M2097I, M2161I.
Identifiers: ClinVar variation 1753775 (VCV001753775.2), dbSNP rs2108278845, ClinGen allele CA354804545.
Genomic context (GRCh38, chr3:142,469,406, plus strand): 5'-AGCTGTCATCATCCACATTGCTTGTTGAGGATAGGCTAGAAATACTTTGGCTATTATTTC[C>A]ATCAAGACAACAAAAACTTCATCGTGAGAATGACAAATTCGAGAGATCAATTGTGAAAAA-3'
Protein context (NP_001175.2, residues 2151-2171): HSHDEVFVVL[Met2161Ile]EIIAKVFLAY